The following is an entry in ClinVar:

NM_001005242.3(PKP2):c.125G>A (p.Gly42Glu)

Gene: PKP2 (plakophilin 2; minus strand). Cytogenetic location: 12p11.21.
Variant type: single nucleotide variant.
Coding change: c.125G>A on transcript NM_001005242.3 (MANE Select); coding-DNA position 125, G replaced by A.
Protein change: p.Gly42Glu; replaces glycine 42 with glutamic acid.
Molecular consequence: missense variant. On other transcripts: 5 prime UTR variant (4).
Genome position (GRCh38, 1-based): chr12:32,896,607, C>T on the plus strand (G>A on the coding strand, the complement: PKP2 is on the minus strand). VCF-style: chr12-32896607-C-T. GRCh37 (hg19) VCF-style: chr12-33049541-C-T.
Other names: c.125G>A, p.Gly42Glu (NM_001407155.1, NM_001407156.1, NM_001407157.1 and 2 more transcripts); c.-702G>A (NM_001407158.1, NM_001407162.1); c.-466G>A (NM_001407159.1, NM_001407160.1); short protein forms G42E.
Identifiers: ClinVar variation 2972694 (VCV002972694.4), dbSNP rs2541384586, ClinGen allele CA384371241.

ClinVar aggregate classification (germline): Uncertain significance. Review status: criteria provided, multiple submitters, no conflicts (2 of 4 stars). 2 submissions from 2 submitters: Uncertain significance (2). Last evaluated 2024-10-15.

Conditions:
Arrhythmogenic right ventricular dysplasia 9 (ARVD9). Also called: ARRHYTHMOGENIC RIGHT VENTRICULAR DYSPLASIA, FAMILIAL, 9; Arrhythmogenic Right Ventricular Dysplasia/Cardiomyopathy 9. Identifiers: MedGen C1836906, MONDO:0012180, OMIM 609040.
Arrhythmogenic right ventricular cardiomyopathy (ARVD). Also called: Arrhythmogenic right ventricular dysplasia; Cardiomyopathy, ARVC; Arrhythmogenic cardiomyopathy; Arrhythmogenic Right Ventricular Cardiomyopathy (ARVC). Identifiers: Orphanet 247, MedGen C0349788, MeSH D019571, MONDO:0016587. Disease mechanism: loss of function. Inheritance: Various modes of inheritance.

Allele frequency attached by ClinVar (database versions not stated): gnomAD exomes below 0.00001.
gnomAD v4.1: 1 of 1,585,352 alleles (0.000063%); highest among the groups gnomAD compares: Non-Finnish European, 0.000085%; no homozygotes.

Submissions (2):

Labcorp Genetics (formerly Invitae), Labcorp
Classification: Uncertain significance for Arrhythmogenic right ventricular dysplasia 9. Last evaluated: 2024-10-15. Review status: criteria provided, single submitter. Criteria: Invitae Variant Classification Sherloc (09022015). Collection method: clinical testing. Allele origin: germline.
Comment: This sequence change replaces glycine, which is neutral and non-polar, with glutamic acid, which is acidic and polar, at codon 42 of the PKP2 protein (p.Gly42Glu). This variant is not present in population databases (gnomAD no frequency). This missense change has been observed in individual(s) with dilated cardiomyopathy (PMID: 32041989). An algorithm developed to predict the effect of missense changes on protein structure and function (PolyPhen-2) suggests that this variant is likely to be disruptive. In summary, the available evidence is currently insufficient to determine the role of this variant in disease. Therefore, it has been classified as a Variant of Uncertain Significance.

All of Us Research Program, National Institutes of Health
Classification: Uncertain significance for Arrhythmogenic right ventricular cardiomyopathy. Last evaluated: 2023-03-04. Review status: criteria provided, single submitter. Criteria: ACMG Guidelines, 2015. Collection method: clinical testing. Allele origin: germline. Inheritance: Autosomal dominant inheritance. Observed: 1 variant allele, 1 heterozygote.
Comment: This study involves interpretation of variants in research participants for the purpose of population health screening. Participant phenotype was not available at the time of variant classification. Additional details can be found in publication PMID: 35346344, PMCID: PMC8962531

Literature cited by the submitters: PubMed 32041989 (cited by Labcorp Genetics (formerly Invitae), Labcorp).